The following is an entry in ClinVar:

NM_001297.5(CNGB1):c.1589C>G (p.Pro530Arg)

Gene: CNGB1 (cyclic nucleotide gated channel subunit beta 1; minus strand). Cytogenetic location: 16q21.
Variant type: single nucleotide variant.
Coding change: c.1589C>G on transcript NM_001297.5 (MANE Select); coding-DNA position 1589, C replaced by G.
Protein change: p.Pro530Arg; replaces proline 530 with arginine.
Molecular consequence: missense variant.
Genome position (GRCh38, 1-based): chr16:57,923,327, G>C on the plus strand (C>G on the coding strand, the complement: CNGB1 is on the minus strand). VCF-style: chr16-57923327-G-C. GRCh37 (hg19) VCF-style: chr16-57957231-G-C.
Other names: c.1571C>G, p.Pro524Arg (NM_001286130.2); short protein forms P530R, P524R.
Identifiers: ClinVar variation 209979 (VCV000209979.14), dbSNP rs201553871, ClinGen allele CA358282.

ClinVar aggregate classification (germline): Conflicting classifications of pathogenicity. Review status: criteria provided, conflicting classifications (1 of 4 stars). 5 submissions from 5 submitters: Uncertain significance (3); Likely benign (1). 1 of the submissions does not count toward it. Last evaluated 2026-01-28.

Conditions:
Retinitis pigmentosa (RP). Identifiers: Orphanet 791, MedGen C0035334, MeSH D012174, MONDO:0019200, OMIM 268000. Inheritance: Autosomal dominant, autosomal recessive and X linked inheritance.
Retinitis pigmentosa 45 (RP45). Identifiers: Orphanet 791, MedGen C3151066, MONDO:0013413, OMIM 613767.
Retinitis pigmentosa 49 (RP49). Identifiers: Orphanet 791, MedGen C3151059, MONDO:0013405, OMIM 613756.

Allele frequency attached by ClinVar (database versions not stated): ExAC 0.00046; gnomAD 0.00008 and 0.00010; gnomAD exomes 0.00012 and 0.00045; TOPMed 0.00020; 1000 Genomes Project 30x 0.00031; 1000 Genomes Project 0.00040.
gnomAD v4.1: 189 of 1,613,634 alleles (0.012%); highest among the groups gnomAD compares: East Asian, 0.4%; no homozygotes.

Submissions (5):

Labcorp Genetics (formerly Invitae), Labcorp
Classification: Likely benign. Last evaluated: 2026-01-28. Review status: criteria provided, single submitter. Criteria: Invitae Variant Classification Sherloc (09022015). Collection method: clinical testing. Allele origin: germline.

Blueprint Genetics
Classification: Uncertain significance. Last evaluated: 2024-09-23. Review status: criteria provided, single submitter. Criteria: ACMG Guidelines, 2015. Collection method: clinical testing. Allele origin: germline.

Illumina Laboratory Services, Illumina
Classification: Uncertain significance for Retinitis pigmentosa. Last evaluated: 2017-04-27. Review status: criteria provided, single submitter. Criteria: ICSL Variant Classification Criteria 13 December 2019. Collection method: clinical testing. Allele origin: germline.
Comment: This variant was observed as part of a predisposition screen in an ostensibly healthy population. A literature search was performed for the gene, cDNA change, and amino acid change (where applicable). Publications were found based on this search. However, the evidence from the literature, in combination with allele frequency data from public databases where available, was not sufficient to rule this variant in or out of causing disease. Therefore, this variant is classified as a variant of unknown significance.

Soonchunhyang University Bucheon Hospital, Soonchunhyang University Medical Center
Classification: Uncertain significance for Retinitis pigmentosa 49. Last evaluated: 2016-03-18. Review status: criteria provided, single submitter. Criteria: ACMG Guidelines, 2015. Collection method: reference population. Allele origin: germline. Observed: 1 variant allele.

OMIM
Classification: Pathogenic for RETINITIS PIGMENTOSA 45. Last evaluated: 2013-06-14. Review status: no assertion criteria provided. Collection method: literature only. Allele origin: germline. Not counted in ClinVar's aggregate classification.

Literature cited by the submitters: PubMed 23661369 (cited by 3 submitters); PubMed 24938718 (cited by Illumina Laboratory Services, Illumina).